The following is an entry in ClinVar:

ClinVar aggregate classification (germline): Conflicting classifications of pathogenicity. Review status: criteria provided, conflicting classifications (1 of 4 stars). 2 submissions from 2 submitters: Uncertain significance (1); Likely benign (1). Last evaluated 2025-12-02.

Conditions:
PRPF8-related disorder. Also called: PRPF8-related condition.

Allele frequency attached by ClinVar (database versions not stated): gnomAD exomes 0.00002 and 0.00004; gnomAD 0.00004 and 0.00009; ExAC 0.00005; TOPMed 0.00006.
gnomAD v4.1: 56 of 1,613,714 alleles (0.0035%); highest among the groups gnomAD compares: African/African-American, 0.024%; 2 homozygotes.

Submissions (2):

PreventionGenetics, part of Exact Sciences
Classification: Likely benign for PRPF8-related condition. Last evaluated: 2025-12-02. Review status: criteria provided, single submitter. Criteria: ACMG Guidelines, 2015. Collection method: clinical testing. Allele origin: germline.
Comment: This variant is classified as likely benign based on ACMG/AMP sequence variant interpretation guidelines (Richards et al. 2015 PMID: 25741868, with internal and published modifications).

Labcorp Genetics (formerly Invitae), Labcorp
Classification: Uncertain significance. Last evaluated: 2024-05-31. Review status: criteria provided, single submitter. Criteria: Invitae Variant Classification Sherloc (09022015). Collection method: clinical testing. Allele origin: germline.
Comment: This sequence change falls in intron 15 of the PRPF8 gene. It does not directly change the encoded amino acid sequence of the PRPF8 protein. It affects a nucleotide within the consensus splice site. This variant is present in population databases (rs368609533, gnomAD 0.01%). This variant has not been reported in the literature in individuals affected with PRPF8-related conditions. ClinVar contains an entry for this variant (Variation ID: 1479967). Variants that disrupt the consensus splice site are a relatively common cause of aberrant splicing (PMID: 17576681, 9536098). Algorithms developed to predict the effect of sequence changes on RNA splicing suggest that this variant is not likely to affect RNA splicing. In summary, the available evidence is currently insufficient to determine the role of this variant in disease. Therefore, it has been classified as a Variant of Uncertain Significance.

Literature cited by the submitters: PubMed 17576681 (cited by Labcorp Genetics (formerly Invitae), Labcorp); PubMed 9536098 (cited by Labcorp Genetics (formerly Invitae), Labcorp).

NM_006445.4(PRPF8):c.2182-3T>C

Gene: PRPF8 (pre-mRNA processing factor 8; minus strand). Cytogenetic location: 17p13.3.
Variant type: single nucleotide variant.
Coding change: c.2182-3T>C on transcript NM_006445.4 (MANE Select); 3 bases into the intron before coding-DNA position 2182, T replaced by C.
Molecular consequence: intron variant.
Genome position (GRCh38, 1-based): chr17:1,676,714, A>G on the plus strand (T>C on the coding strand, the complement: PRPF8 is on the minus strand). VCF-style: chr17-1676714-A-G. GRCh37 (hg19) VCF-style: chr17-1580008-A-G.
Other names: c.2182-3T>C (NM_006445.3).
Identifiers: ClinVar variation 1479967 (VCV001479967.7), dbSNP rs368609533, ClinGen allele CA8272162.